The following is an entry in ClinVar:

ClinVar aggregate classification (germline): Uncertain significance (1 of 4 stars; one submission).

Allele frequency attached by ClinVar (database versions not stated): gnomAD exomes below 0.00001; ExAC 0.00001; 1000 Genomes Project 0.00020; gnomAD 0.00001; 1000 Genomes Project 30x 0.00016.
gnomAD v4.1: 1 of 1,613,888 alleles (0.000062%); highest among the groups gnomAD compares: Admixed American, 0.0017%; no homozygotes.

Submission:

Labcorp Genetics (formerly Invitae), Labcorp
Classification: Uncertain significance. Last evaluated: 2021-07-12. Review status: criteria provided, single submitter. Criteria: Invitae Variant Classification Sherloc (09022015). Collection method: clinical testing. Allele origin: germline.
Comment: This sequence change replaces glycine with aspartic acid at codon 443 of the ASPM protein (p.Gly443Asp). The glycine residue is weakly conserved and there is a moderate physicochemical difference between glycine and aspartic acid. This variant is present in population databases (rs568737007, ExAC 0.009%). This variant has not been reported in the literature in individuals with ASPM-related conditions. Algorithms developed to predict the effect of missense changes on protein structure and function output the following: SIFT: "Tolerated"; PolyPhen-2: "Benign"; Align-GVGD: "Class C0". The aspartic acid amino acid residue is found in multiple mammalian species, suggesting that this missense change does not adversely affect protein function. These predictions have not been confirmed by published functional studies and their clinical significance is uncertain. In summary, the available evidence is currently insufficient to determine the role of this variant in disease. Therefore, it has been classified as a Variant of Uncertain Significance.

NM_018136.5(ASPM):c.1328G>A (p.Gly443Asp)

Gene: ASPM (assembly factor for spindle microtubules; minus strand). Cytogenetic location: 1q31.3.
Variant type: single nucleotide variant.
Coding change: c.1328G>A on transcript NM_018136.5 (MANE Select); coding-DNA position 1328, G replaced by A.
Protein change: p.Gly443Asp; replaces glycine 443 with aspartic acid.
Molecular consequence: missense variant.
Genome position (GRCh38, 1-based): chr1:197,142,924, C>T on the plus strand (G>A on the coding strand, the complement: ASPM is on the minus strand). VCF-style: chr1-197142924-C-T. GRCh37 (hg19) VCF-style: chr1-197112054-C-T.
Other names: c.1328G>A, p.Gly443Asp (NM_001206846.2); short protein forms G443D.
Identifiers: ClinVar variation 1494045 (VCV001494045.8), dbSNP rs568737007, ClinGen allele CA1310726.